The following is an entry in ClinVar:

NM_001486.4(GCKR):c.1573C>T (p.Arg525Trp)

Gene: GCKR (glucokinase regulator; plus strand). Cytogenetic location: 2p23.3.
Variant type: single nucleotide variant.
Coding change: c.1573C>T on transcript NM_001486.4 (MANE Select); coding-DNA position 1573, C replaced by T.
Protein change: p.Arg525Trp; replaces arginine 525 with tryptophan.
Molecular consequence: missense variant.
Genome position (GRCh38, 1-based): chr2:27,522,460, C>T. VCF-style: chr2-27522460-C-T. GRCh37 (hg19) VCF-style: chr2-27745327-C-T.
Other names: short protein forms R525W.
Identifiers: ClinVar variation 2141010 (VCV002141010.4), dbSNP rs142814238, ClinGen allele CA1582045.

ClinVar aggregate classification (germline): Uncertain significance (1 of 4 stars; one submission).

Allele frequency attached by ClinVar (database versions not stated): ExAC 0.00003; TOPMed 0.00014; ESP Exome Variant Server 0.00015; 1000 Genomes Project 30x 0.00016; gnomAD 0.00017; 1000 Genomes Project 0.00020.

Submission:

Labcorp Genetics (formerly Invitae), Labcorp
Classification: Uncertain significance. Last evaluated: 2024-11-05. Review status: criteria provided, single submitter. Criteria: Invitae Variant Classification Sherloc (09022015). Collection method: clinical testing. Allele origin: germline.
Comment: This sequence change replaces arginine, which is basic and polar, with tryptophan, which is neutral and slightly polar, at codon 525 of the GCKR protein (p.Arg525Trp). This variant is present in population databases (rs142814238, gnomAD 0.03%). This variant has not been reported in the literature in individuals affected with GCKR-related conditions. ClinVar contains an entry for this variant (Variation ID: 2141010). An algorithm developed to predict the effect of missense changes on protein structure and function (PolyPhen-2) suggests that this variant is likely to be disruptive. In summary, the available evidence is currently insufficient to determine the role of this variant in disease. Therefore, it has been classified as a Variant of Uncertain Significance.